The following is an entry in ClinVar:

NM_001394062.1(MACF1):c.10881G>A (p.Gln3627=)

Gene: MACF1 (microtubule actin crosslinking factor 1; plus strand). Cytogenetic location: 1p34.3.
Variant type: single nucleotide variant.
Coding change: c.10881G>A on transcript NM_001394062.1 (MANE Select); coding-DNA position 10881, G replaced by A.
Protein change: p.Gln3627=; no amino-acid change (glutamine 3627 retained).
Molecular consequence: synonymous variant.
Genome position (GRCh38, 1-based): chr1:39,349,543, G>A. VCF-style: chr1-39349543-G-A. GRCh37 (hg19) VCF-style: chr1-39815215-G-A.
Other names: c.4695G>A, p.Gln1565= (NM_012090.5).
Identifiers: ClinVar variation 2049780 (VCV002049780.29), dbSNP rs138127207, ClinGen allele CA781460.

ClinVar aggregate classification (germline): Benign/Likely benign. Review status: criteria provided, multiple submitters, no conflicts (2 of 4 stars). 3 submissions from 3 submitters: Benign (1); Likely benign (2). Last evaluated 2025-10-27.

Allele frequency attached by ClinVar (database versions not stated): gnomAD exomes 0.00024; gnomAD 0.00027; 1000 Genomes Project 30x 0.00031; TOPMed 0.00036; 1000 Genomes Project 0.00040; ExAC 0.00040; ESP Exome Variant Server 0.00046.
gnomAD v4.1: 416 of 1,614,238 alleles (0.026%); highest among the groups gnomAD compares: Middle Eastern, 0.4%; no homozygotes.

Submissions (3):

Labcorp Genetics (formerly Invitae), Labcorp
Classification: Benign. Last evaluated: 2025-10-27. Review status: criteria provided, single submitter. Criteria: Invitae Variant Classification Sherloc (09022015). Collection method: clinical testing. Allele origin: germline.

Blueprint Genetics
Classification: Likely benign. Last evaluated: 2024-10-18. Review status: criteria provided, single submitter. Criteria: ACMG Guidelines, 2015. Collection method: clinical testing. Allele origin: germline.

CeGaT Center for Human Genetics Tuebingen
Classification: Likely benign. Last evaluated: 2024-07-01. Review status: criteria provided, single submitter. Criteria: CeGaT Center For Human Genetics Tuebingen Variant Classification Criteria Version 2. Collection method: clinical testing. Allele origin: germline. Affected: yes. Observed: 2 variant alleles.
Comment: MACF1: BP4, BP7